The following is an entry in ClinVar:

NM_000257.4(MYH7):c.5123A>T (p.Glu1708Val)

Genes: MHRT (myosin heavy chain associated RNA transcript; plus strand), MYH7 (myosin heavy chain 7; minus strand), LOC126861897 (BRD4-independent group 4 enhancer GRCh37_chr14:23884455-23885654; plus strand). Cytogenetic location: 14q11.2.
Variant type: single nucleotide variant.
Coding change: c.5123A>T on transcript NM_000257.4 (MANE Select); coding-DNA position 5123, A replaced by T.
Protein change: p.Glu1708Val; replaces glutamic acid 1708 with valine.
Molecular consequence: missense variant. On other transcripts: non-coding transcript variant (1).
Genome position (GRCh38, 1-based): chr14:23,415,663, T>A on the plus strand (A>T on the coding strand, the complement: MYH7 is on the minus strand). VCF-style: chr14-23415663-T-A. GRCh37 (hg19) VCF-style: chr14-23884872-T-A.
Other names: c.5123A>T, p.Glu1708Val (NM_001407004.1); short protein forms E1708V.
Identifiers: ClinVar variation 3368871 (VCV003368871.1).

ClinVar aggregate classification (germline): Uncertain significance (1 of 4 stars; one submission).

Submission:

GeneDx
Classification: Uncertain significance. Last evaluated: 2024-02-09. Review status: criteria provided, single submitter. Criteria: GeneDx Variant Classification Process June 2021. Collection method: clinical testing. Allele origin: germline. Affected: yes.
Comment: Not observed at significant frequency in large population cohorts (gnomAD); In silico analysis supports that this missense variant has a deleterious effect on protein structure/function; Has not been previously published as pathogenic or benign to our knowledge